The following is an entry in ClinVar:

NM_019842.4(KCNQ5):c.207_209dup (p.Gly74dup)

Genes: KCNQ5 (potassium voltage-gated channel subfamily Q member 5; plus strand), KCNQ5-DT (KCNQ5 divergent transcript; minus strand). Cytogenetic location: 6q13.
Variant type: Duplication.
Coding change: c.207_209dup on transcript NM_019842.4 (MANE Select); coding-DNA positions 207 to 209, 3 bases duplicated (TGG; older notation c.207_209dupTGG).
Protein change: p.Gly74dup; duplicates glycine 74.
Molecular consequence: inframe insertion.
Genome position (GRCh38, 1-based): chr6:72,622,396-72,622,398, TGG duplicated; duplicating any 3 consecutive bases within chr6:72,622,394-72,622,398 gives the same sequence; the c. name uses the placement nearest the transcript's 3' end. VCF-style (leftmost placement, unchanged base first): chr6-72622393-C-CGGT. GRCh37 (hg19) VCF-style: chr6-73332121-C-CGGT.
Other names: c.207_209dup, p.Gly74dup (NM_001160130.2, NM_001160132.2, NM_001160133.2 and 1 more transcripts).
Identifiers: ClinVar variation 1500571 (VCV001500571.8), dbSNP rs752447390, ClinGen allele CA3886691.

ClinVar aggregate classification (germline): Uncertain significance (1 of 4 stars; one submission).

Submission:

Labcorp Genetics (formerly Invitae), Labcorp
Classification: Uncertain significance. Last evaluated: 2022-07-25. Review status: criteria provided, single submitter. Criteria: Invitae Variant Classification Sherloc (09022015). Collection method: clinical testing. Allele origin: germline.
Comment: In summary, the available evidence is currently insufficient to determine the role of this variant in disease. Therefore, it has been classified as a Variant of Uncertain Significance. Experimental studies and prediction algorithms are not available or were not evaluated, and the functional significance of this variant is currently unknown. ClinVar contains an entry for this variant (Variation ID: 1500571). This variant has not been reported in the literature in individuals affected with KCNQ5-related conditions. This variant is present in population databases (rs752447390, gnomAD 0.04%). This variant, c.207_209dup, results in the insertion of 1 amino acid(s) of the KCNQ5 protein (p.Gly74dup), but otherwise preserves the integrity of the reading frame.